The following is an entry in ClinVar:

ClinVar aggregate classification (germline): Uncertain significance (1 of 4 stars; one submission).

Conditions:
Autosomal recessive ataxia, Beauce type. Also called: SYNE1-Related Autosomal Recessive Cerebellar Ataxia; Spinocerebellar ataxia, autosomal recessive 8; ATAXIA, RECESSIVE, OF BEAUCE; SYNE1 Deficiency. Identifiers: Orphanet 88644, MedGen C1853116, MONDO:0012549, OMIM 610743.
Emery-Dreifuss muscular dystrophy 4, autosomal dominant (EDMD4). Also called: EMERY-DREIFUSS MUSCULAR DYSTROPHY 4 WITH VARIABLE FEATURES. Identifiers: Orphanet 261, MedGen C2751807, MONDO:0013071, OMIM 612998.

Submission:

Labcorp Genetics (formerly Invitae), Labcorp
Classification: Uncertain significance for Emery-Dreifuss muscular dystrophy 4, autosomal dominant; Autosomal recessive ataxia, Beauce type. Last evaluated: 2021-07-31. Review status: criteria provided, single submitter. Criteria: Invitae Variant Classification Sherloc (09022015). Collection method: clinical testing. Allele origin: germline.
Comment: This sequence change replaces glutamine with histidine at codon 3690 of the SYNE1 protein (p.Gln3690His). The glutamine residue is highly conserved and there is a small physicochemical difference between glutamine and histidine. This variant is not present in population databases (ExAC no frequency). This variant has not been reported in the literature in individuals affected with SYNE1-related conditions. Algorithms developed to predict the effect of missense changes on protein structure and function are either unavailable or do not agree on the potential impact of this missense change (SIFT: "Deleterious"; PolyPhen-2: "Benign"; Align-GVGD: "Class C0"). In summary, the available evidence is currently insufficient to determine the role of this variant in disease. Therefore, it has been classified as a Variant of Uncertain Significance.

NM_182961.4(SYNE1):c.11115G>C (p.Gln3705His)

Gene: SYNE1 (spectrin repeat containing nuclear envelope protein 1; minus strand). Cytogenetic location: 6q25.2.
Variant type: single nucleotide variant.
Coding change: c.11115G>C on transcript NM_182961.4 (MANE Select); coding-DNA position 11115, G replaced by C.
Protein change: p.Gln3705His; replaces glutamine 3705 with histidine.
Molecular consequence: missense variant.
Genome position (GRCh38, 1-based): chr6:152,353,401, C>G on the plus strand (G>C on the coding strand, the complement: SYNE1 is on the minus strand). VCF-style: chr6-152353401-C-G. GRCh37 (hg19) VCF-style: chr6-152674536-C-G.
Other names: c.11070G>C, p.Gln3690His (NM_033071.5); short protein forms Q3705H, Q3690H.
Identifiers: ClinVar variation 1495323 (VCV001495323.5), dbSNP rs2154045109, ClinGen allele CA366122659.